The following is an entry in ClinVar:

ClinVar aggregate classification (germline): Pathogenic (1 of 4 stars; one submission).

Conditions:
Colorectal cancer, hereditary nonpolyposis, type 7. Identifiers: Orphanet 144, MedGen C1858380, MONDO:0013725, OMIM 614385.

Submission:

Myriad Genetics, Inc.
Classification: Pathogenic for Colorectal cancer, hereditary nonpolyposis, type 7. Last evaluated: 2026-03-13. Review status: criteria provided, single submitter. Criteria: Myriad Autosomal Dominant, Autosomal Recessive and X-Linked Classification Criteria (2023). Collection method: clinical testing. Allele origin: unknown.
Comment: This variant is considered pathogenic. This variant creates a frameshift predicted to result in premature protein truncation.

NM_001040108.2(MLH3):c.2961del (p.Ile988fs)

Gene: MLH3 (mutL homolog 3; minus strand). Cytogenetic location: 14q24.3.
Variant type: Deletion.
Coding change: c.2961del on transcript NM_001040108.2 (MANE Select); coding-DNA position 2961, one base deleted (T; older notation c.2961delT).
Protein change: p.Ile988fs; shifts the reading frame from isoleucine 988.
Molecular consequence: frameshift variant.
Genome position (GRCh38, 1-based): chr14:75,046,695, A deleted on the plus strand (T on the coding strand, the reverse complement: MLH3 is on the minus strand); the first of 2 consecutive A bases (chr14:75,046,695-75,046,696); deleting either gives the same sequence. VCF-style (leftmost placement, unchanged base first): chr14-75046694-TA-T. GRCh37 (hg19) VCF-style: chr14-75513397-TA-T.
Other names: c.2961del, p.Ile988fs (NM_014381.3); short protein forms I988fs.
Identifiers: ClinVar variation 4856761 (VCV004856761.1).